The following is an entry in ClinVar:

ClinVar aggregate classification (germline): Uncertain significance. Review status: criteria provided, multiple submitters, no conflicts (2 of 4 stars). 2 submissions from 2 submitters: Uncertain significance (2). Last evaluated 2026-04-01.

Allele frequency attached by ClinVar (database versions not stated): gnomAD 0.00001; gnomAD exomes 0.00001; ExAC 0.00002; TOPMed 0.00003; ESP Exome Variant Server 0.00008.
gnomAD v4.1: 37 of 1,613,996 alleles (0.0023%); highest among the groups gnomAD compares: Non-Finnish European, 0.0029%; no homozygotes.

Submissions (2):

CeGaT Center for Human Genetics Tuebingen
Classification: Uncertain significance. Last evaluated: 2026-04-01. Review status: criteria provided, single submitter. Criteria: CeGaT Center For Human Genetics Tuebingen Variant Classification Criteria Version 2. Collection method: clinical testing. Allele origin: germline. Affected: yes. Observed: 1 variant allele.
Comment: AARS2: PM2

Labcorp Genetics (formerly Invitae), Labcorp
Classification: Uncertain significance. Last evaluated: 2022-08-09. Review status: criteria provided, single submitter. Criteria: Invitae Variant Classification Sherloc (09022015). Collection method: clinical testing. Allele origin: germline.
Comment: This sequence change replaces threonine, which is neutral and polar, with isoleucine, which is neutral and non-polar, at codon 757 of the AARS2 protein (p.Thr757Ile). This variant is present in population databases (rs371852804, gnomAD 0.004%). This variant has not been reported in the literature in individuals affected with AARS2-related conditions. ClinVar contains an entry for this variant (Variation ID: 1465104). Algorithms developed to predict the effect of missense changes on protein structure and function are either unavailable or do not agree on the potential impact of this missense change (SIFT: "Deleterious"; PolyPhen-2: "Probably Damaging"; Align-GVGD: "Class C0"). In summary, the available evidence is currently insufficient to determine the role of this variant in disease. Therefore, it has been classified as a Variant of Uncertain Significance.

NM_020745.4(AARS2):c.2270C>T (p.Thr757Ile)

Gene: AARS2 (alanyl-tRNA synthetase 2, mitochondrial; minus strand). Cytogenetic location: 6p21.1.
Variant type: single nucleotide variant.
Coding change: c.2270C>T on transcript NM_020745.4 (MANE Select); coding-DNA position 2270, C replaced by T.
Protein change: p.Thr757Ile; replaces threonine 757 with isoleucine.
Molecular consequence: missense variant.
Genome position (GRCh38, 1-based): chr6:44,302,896, G>A on the plus strand (C>T on the coding strand, the complement: AARS2 is on the minus strand). VCF-style: chr6-44302896-G-A. GRCh37 (hg19) VCF-style: chr6-44270633-G-A.
Other names: short protein forms T757I.
Identifiers: ClinVar variation 1465104 (VCV001465104.6), dbSNP rs371852804, ClinGen allele CA3834035.